The following is an entry in ClinVar:

NM_000108.5(DLD):c.857A>G (p.Asp286Gly)

Gene: DLD (dihydrolipoamide dehydrogenase; plus strand). Cytogenetic location: 7q31.1.
Variant type: single nucleotide variant.
Coding change: c.857A>G on transcript NM_000108.5 (MANE Select); coding-DNA position 857, A replaced by G.
Protein change: p.Asp286Gly; replaces aspartic acid 286 with glycine.
Molecular consequence: missense variant.
Genome position (GRCh38, 1-based): chr7:107,915,678, A>G. VCF-style: chr7-107915678-A-G. GRCh37 (hg19) VCF-style: chr7-107556123-A-G.
Other names: c.560A>G, p.Asp187Gly (NM_001289750.1); c.788A>G, p.Asp263Gly (NM_001289751.1); c.713A>G, p.Asp238Gly (NM_001289752.1); short protein forms D187G, D238G, D263G, D286G.
Identifiers: ClinVar variation 931300 (VCV000931300.3), dbSNP rs192349677, ClinGen allele CA4434566.

ClinVar aggregate classification (germline): Uncertain significance (1 of 4 stars; one submission).

Conditions:
Pyruvate dehydrogenase E3 deficiency (DLDD). Also called: MAPLE SYRUP URINE DISEASE, TYPE III; Lipoamide dehydrogenase deficiency, lactic acidosis due to; Lipoamide dehydrogenase deficiency; Dihydrolipoamide Dehydrogenase Deficiency; Dihydrolipoamide Dehydrogenase E3 Deficiency; Dihydrolipoamide Dehydrogenase (E3) Deficiency. Identifiers: Orphanet 2394, Orphanet 765, MedGen C5574660, MONDO:0009529, OMIM 246900.

Allele frequency attached by ClinVar (database versions not stated): gnomAD exomes below 0.00001; ExAC 0.00001; gnomAD 0.00001; 1000 Genomes Project 30x 0.00016; 1000 Genomes Project 0.00020.
gnomAD v4.1: 1 of 1,613,686 alleles (0.000062%); highest among the groups gnomAD compares: Non-Finnish European, 0.000085%; no homozygotes.

Submission:

Centre for Mendelian Genomics, University Medical Centre Ljubljana
Classification: Uncertain significance for Pyruvate dehydrogenase E3 deficiency. Last evaluated: 2018-11-30. Review status: criteria provided, single submitter. Criteria: ACMG Guidelines, 2015. Collection method: clinical testing. Allele origin: unknown. Affected: yes.
Comment: This variant was classified as: Uncertain significance. The available evidence on this variant's pathogenicity is insufficient or conflicting. The following ACMG criteria were applied in classifying this variant: PM2.